The following is an entry in ClinVar:

ClinVar aggregate classification (germline): Uncertain significance (1 of 4 stars; one submission).

Submission:

Labcorp Genetics (formerly Invitae), Labcorp
Classification: Uncertain significance. Last evaluated: 2022-08-09. Review status: criteria provided, single submitter. Criteria: Invitae Variant Classification Sherloc (09022015). Collection method: clinical testing. Allele origin: germline.
Comment: In summary, the available evidence is currently insufficient to determine the role of this variant in disease. Therefore, it has been classified as a Variant of Uncertain Significance. Algorithms developed to predict the effect of missense changes on protein structure and function (SIFT, PolyPhen-2, Align-GVGD) all suggest that this variant is likely to be disruptive. ClinVar contains an entry for this variant (Variation ID: 1375096). This variant has not been reported in the literature in individuals affected with RUSC2-related conditions. This variant is not present in population databases (gnomAD no frequency). This sequence change replaces glycine, which is neutral and non-polar, with alanine, which is neutral and non-polar, at codon 51 of the RUSC2 protein (p.Gly51Ala).

NM_014806.5(RUSC2):c.152G>C (p.Gly51Ala)

Gene: RUSC2 (RUN and SH3 domain containing 2; plus strand). Cytogenetic location: 9p13.3.
Variant type: single nucleotide variant.
Coding change: c.152G>C on transcript NM_014806.5 (MANE Select); coding-DNA position 152, G replaced by C.
Protein change: p.Gly51Ala; replaces glycine 51 with alanine.
Molecular consequence: missense variant. On other transcripts: non-coding transcript variant (1), intron variant (1).
Genome position (GRCh38, 1-based): chr9:35,546,673, G>C. VCF-style: chr9-35546673-G-C. GRCh37 (hg19) VCF-style: chr9-35546670-G-C.
Other names: c.152G>C, p.Gly51Ala (NM_001135999.2); c.-620-8387G>C (NM_001330740.2); short protein forms G51A.
Identifiers: ClinVar variation 1375096 (VCV001375096.8), dbSNP rs2132550914, ClinGen allele CA373325987.
Genomic context (GRCh38, chr9:35,546,673, plus strand): 5'-GAGGGGCAGGTGGAGGTGGTGGGAGCACAAGACCTAATCCCTTCTGCCCACCTGAGCTGG[G>C]CATCACCCAGCCCGATCAAGACCTAGGACAAGCTGACTCCCTGCTATTCAGCAGCCTGCA-3'
Protein context (NP_055621.2, residues 41-61): RPNPFCPPEL[Gly51Ala]ITQPDQDLGQ